The following is an entry in ClinVar:

ClinVar aggregate classification (germline): Uncertain significance (1 of 4 stars; one submission).

Allele frequency attached by ClinVar (database versions not stated): gnomAD exomes below 0.00001; TOPMed below 0.00001; ExAC 0.00001.
gnomAD v4.1: 2 of 1,614,106 alleles (0.00012%); highest among the groups gnomAD compares: Admixed American, 0.0017%; no homozygotes.

Submission:

Labcorp Genetics (formerly Invitae), Labcorp
Classification: Uncertain significance. Last evaluated: 2021-11-26. Review status: criteria provided, single submitter. Criteria: Invitae Variant Classification Sherloc (09022015). Collection method: clinical testing. Allele origin: germline.
Comment: This sequence change replaces isoleucine, which is neutral and non-polar, with valine, which is neutral and non-polar, at codon 67 of the RTN4IP1 protein (p.Ile67Val). This variant is present in population databases (rs776642156, gnomAD 0.003%). In summary, the available evidence is currently insufficient to determine the role of this variant in disease. Therefore, it has been classified as a Variant of Uncertain Significance. Algorithms developed to predict the effect of missense changes on protein structure and function output the following: SIFT: "Tolerated"; PolyPhen-2: "Benign"; Align-GVGD: "Class C0". The valine amino acid residue is found in multiple mammalian species, which suggests that this missense change does not adversely affect protein function. This variant has not been reported in the literature in individuals affected with RTN4IP1-related conditions.

NM_032730.5(RTN4IP1):c.199A>G (p.Ile67Val)

Gene: RTN4IP1 (reticulon 4 interacting protein 1; minus strand). Cytogenetic location: 6q21.
Variant type: single nucleotide variant.
Coding change: c.199A>G on transcript NM_032730.5 (MANE Select); coding-DNA position 199, A replaced by G.
Protein change: p.Ile67Val; replaces isoleucine 67 with valine.
Molecular consequence: missense variant. On other transcripts: intron variant (1).
Genome position (GRCh38, 1-based): chr6:106,628,823, T>C on the plus strand (A>G on the coding strand, the complement: RTN4IP1 is on the minus strand). VCF-style: chr6-106628823-T-C. GRCh37 (hg19) VCF-style: chr6-107076698-T-C.
Other names: c.-27+1504A>G (NM_001318746.1); short protein forms I67V.
Identifiers: ClinVar variation 1520695 (VCV001520695.4), dbSNP rs776642156, ClinGen allele CA3944575.